The following is an entry in ClinVar:

NM_006859.4(LIAS):c.917T>C (p.Leu306Ser)

Gene: LIAS (lipoic acid synthetase; plus strand). Cytogenetic location: 4p14.
Variant type: single nucleotide variant.
Coding change: c.917T>C on transcript NM_006859.4 (MANE Select); coding-DNA position 917, T replaced by C.
Protein change: p.Leu306Ser; replaces leucine 306 with serine.
Molecular consequence: missense variant.
Genome position (GRCh38, 1-based): chr4:39,471,269, T>C. VCF-style: chr4-39471269-T-C. GRCh37 (hg19) VCF-style: chr4-39472889-T-C.
Other names: c.788T>C, p.Leu263Ser (NM_001278590.2); c.608T>C, p.Leu203Ser (NM_001363700.2); c.917T>C, p.Leu306Ser (NM_194451.3); short protein forms L203S, L263S, L306S.
Identifiers: ClinVar variation 1008690 (VCV001008690.9), dbSNP rs1744970129, ClinGen allele CA356665526.

ClinVar aggregate classification (germline): Uncertain significance (1 of 4 stars; one submission).

Conditions:
Lipoic acid synthetase deficiency. Also called: HYPERGLYCINEMIA, LACTIC ACIDOSIS, AND SEIZURES. Identifiers: Orphanet 401859, MedGen C3280887, MONDO:0013762, OMIM 614462.

Submission:

Labcorp Genetics (formerly Invitae), Labcorp
Classification: Uncertain significance for Lipoic acid synthetase deficiency. Last evaluated: 2020-02-02. Review status: criteria provided, single submitter. Criteria: Invitae Variant Classification Sherloc (09022015). Collection method: clinical testing. Allele origin: germline.
Comment: In summary, the available evidence is currently insufficient to determine the role of this variant in disease. Therefore, it has been classified as a Variant of Uncertain Significance. Algorithms developed to predict the effect of missense changes on protein structure and function (SIFT, PolyPhen-2, Align-GVGD) all suggest that this variant is likely to be disruptive, but these predictions have not been confirmed by published functional studies and their clinical significance is uncertain. This variant has not been reported in the literature in individuals with LIAS-related conditions. This variant is not present in population databases (ExAC no frequency). This sequence change replaces leucine with serine at codon 306 of the LIAS protein (p.Leu306Ser). The leucine residue is highly conserved and there is a large physicochemical difference between leucine and serine.